The following is an entry in ClinVar:

NM_017763.6(RNF43):c.2218C>A (p.Pro740Thr)

Gene: RNF43 (ring finger protein 43; minus strand). Cytogenetic location: 17q22.
Variant type: single nucleotide variant.
Coding change: c.2218C>A on transcript NM_017763.6 (MANE Select); coding-DNA position 2218, C replaced by A.
Protein change: p.Pro740Thr; replaces proline 740 with threonine.
Molecular consequence: missense variant.
Genome position (GRCh38, 1-based): chr17:58,357,558, G>T on the plus strand (C>A on the coding strand, the complement: RNF43 is on the minus strand). VCF-style: chr17-58357558-G-T. GRCh37 (hg19) VCF-style: chr17-56434919-G-T.
Other names: c.2218C>A, p.Pro740Thr (NM_001305544.3); c.1837C>A, p.Pro613Thr (NM_001305545.2); short protein forms P740T, P613T.
Identifiers: ClinVar variation 3789872 (VCV003789872.1).

ClinVar aggregate classification (germline): Uncertain significance (1 of 4 stars; one submission).

Submission:

Ambry Genetics
Classification: Uncertain significance. Last evaluated: 2024-12-26. Review status: criteria provided, single submitter. Criteria: Ambry Variant Classification Scheme 2023. Collection method: clinical testing. Allele origin: germline.
Comment: The p.P740T variant (also known as c.2218C>A), located in coding exon 8 of the RNF43 gene, results from a C to A substitution at nucleotide position 2218. The proline at codon 740 is replaced by threonine, an amino acid with highly similar properties. This amino acid position is conserved. In addition, this alteration is predicted to be tolerated by in silico analysis. Based on the available evidence, the clinical significance of this variant remains unclear.